The following is an entry in ClinVar:

ClinVar aggregate classification (germline): Uncertain significance (1 of 4 stars; one submission).

Conditions:
Inborn genetic diseases. Identifiers: MedGen C0950123, MeSH D030342.

gnomAD v4.1: 1 of 1,613,928 alleles (0.000062%); highest among the groups gnomAD compares: Non-Finnish European, 0.000085%; no homozygotes.

Submission:

Ambry Genetics
Classification: Uncertain significance for Inborn genetic diseases. Last evaluated: 2026-07-02. Review status: criteria provided, single submitter. Criteria: Ambry Variant Classification Scheme 2023. Collection method: clinical testing. Allele origin: germline.
Comment: The p.E1385V variant (also known as c.4154A>T), located in coding exon 21 of the ATP7B gene, results from an A to T substitution at nucleotide position 4154. The glutamic acid at codon 1385 is replaced by valine, an amino acid with dissimilar properties. This amino acid position is conserved. In addition, this alteration is predicted to be deleterious by in silico analysis. Based on the available evidence, the clinical significance of this variant remains unclear.

NM_000053.4(ATP7B):c.4154A>T (p.Glu1385Val)

Gene: ATP7B (ATPase copper transporting beta; minus strand). Cytogenetic location: 13q14.3.
Variant type: single nucleotide variant.
Coding change: c.4154A>T on transcript NM_000053.4 (MANE Select); coding-DNA position 4154, A replaced by T.
Protein change: p.Glu1385Val; replaces glutamic acid 1385 with valine.
Molecular consequence: missense variant.
Genome position (GRCh38, 1-based): chr13:51,935,000, T>A on the plus strand (A>T on the coding strand, the complement: ATP7B is on the minus strand). VCF-style: chr13-51935000-T-A. GRCh37 (hg19) VCF-style: chr13-52509136-T-A.
Other names: c.3533A>T, p.Glu1178Val (NM_001005918.3); c.3821A>T, p.Glu1274Val (NM_001243182.2); c.3920A>T, p.Glu1307Val (NM_001330578.2, NM_001406527.1, NM_001406528.1); c.3902A>T, p.Glu1301Val (NM_001330579.2, NM_001406531.1, NM_001406532.1); c.4154A>T, p.Glu1385Val (NM_001406511.1, NM_001406512.1); c.4148A>T, p.Glu1383Val (NM_001406513.1); c.4121A>T, p.Glu1374Val (NM_001406514.1); c.4100A>T, p.Glu1367Val (NM_001406515.1, NM_001406516.1); and 21 more; short protein forms E1236V, E1274V, E1301V, E1383V, E1104V, E1169V, E1178V, E1221V.
Identifiers: ClinVar variation 5032378 (VCV005032378.1).